The following is an entry in ClinVar:

ClinVar aggregate classification (germline): Uncertain significance. Review status: criteria provided, multiple submitters, no conflicts (2 of 4 stars). 4 submissions from 4 submitters: Uncertain significance (4). Last evaluated 2025-07-16.

Conditions:
Inborn genetic diseases. Identifiers: MedGen C0950123, MeSH D030342.

Allele frequency attached by ClinVar (database versions not stated): ESP Exome Variant Server 0.00008; TOPMed 0.00009; gnomAD 0.00013 and 0.00011.
gnomAD v4.1: 24 of 1,613,984 alleles (0.0015%); highest among the groups gnomAD compares: African/African-American, 0.025%; no homozygotes.

Submissions (4):

Women's Health and Genetics/Laboratory Corporation of America, LabCorp
Classification: Uncertain significance. Last evaluated: 2025-07-16. Review status: criteria provided, single submitter. Criteria: LabCorp Variant Classification Summary - May 2015. Collection method: clinical testing. Allele origin: germline.
Comment: Variant summary: HOMER2 c.702G>C (p.Lys234Asn) results in a non-conservative amino acid change in the encoded protein sequence. Algorithms developed to predict the effect of missense changes on protein structure and function are either unavailable or do not agree on the potential impact of this missense change. The variant allele was found at a frequency of 3.2e-05 in 249184 control chromosomes. The available data on variant occurrences in the general population are insufficient to allow any conclusion about variant significance. To our knowledge, no occurrence of c.702G>C in individuals affected with Autosomal Dominant Nonsyndromic Hearing Loss 68 and no experimental evidence demonstrating its impact on protein function have been reported. ClinVar contains an entry for this variant (Variation ID: 1386536). Based on the evidence outlined above, the variant was classified as uncertain significance.

Labcorp Genetics (formerly Invitae), Labcorp
Classification: Uncertain significance. Last evaluated: 2025-05-18. Review status: criteria provided, single submitter. Criteria: Invitae Variant Classification Sherloc (09022015). Collection method: clinical testing. Allele origin: germline.
Comment: This sequence change replaces lysine, which is basic and polar, with asparagine, which is neutral and polar, at codon 234 of the HOMER2 protein (p.Lys234Asn). This variant is present in population databases (rs369058288, gnomAD 0.03%). This variant has not been reported in the literature in individuals affected with HOMER2-related conditions. ClinVar contains an entry for this variant (Variation ID: 1386536). An algorithm developed to predict the effect of missense changes on protein structure and function (PolyPhen-2) suggests that this variant is likely to be tolerated. In summary, the available evidence is currently insufficient to determine the role of this variant in disease. Therefore, it has been classified as a Variant of Uncertain Significance.

Ambry Genetics
Classification: Uncertain significance for Inborn genetic diseases. Last evaluated: 2024-01-23. Review status: criteria provided, single submitter. Criteria: Ambry Variant Classification Scheme 2023. Collection method: clinical testing. Allele origin: germline.

GeneDx
Classification: Uncertain significance. Last evaluated: 2023-04-14. Review status: criteria provided, single submitter. Criteria: GeneDx Variant Classification Process June 2021. Collection method: clinical testing. Allele origin: germline.
Comment: In silico analysis supports that this missense variant does not alter protein structure/function; Has not been previously published as pathogenic or benign to our knowledge; Variants in candidate genes are classified as variants of uncertain significance in accordance with ACMG guidelines (Richards et al., 2015)

NM_004839.4(HOMER2):c.702G>C (p.Lys234Asn)

Gene: HOMER2 (homer scaffold protein 2; minus strand). Cytogenetic location: 15q25.2.
Variant type: single nucleotide variant.
Coding change: c.702G>C on transcript NM_004839.4 (MANE Select); coding-DNA position 702, G replaced by C.
Protein change: p.Lys234Asn; replaces lysine 234 with asparagine.
Molecular consequence: missense variant.
Genome position (GRCh38, 1-based): chr15:82,852,202, C>G on the plus strand (G>C on the coding strand, the complement: HOMER2 is on the minus strand). VCF-style: chr15-82852202-C-G. GRCh37 (hg19) VCF-style: chr15-83520954-C-G.
Other names: c.735G>C, p.Lys245Asn (NM_199330.3); c.735G>C (NM_199330.2); short protein forms K234N, K245N.
Identifiers: ClinVar variation 1386536 (VCV001386536.9), dbSNP rs369058288, ClinGen allele CA7702038.